The following is an entry in ClinVar:

ClinVar aggregate classification (germline): Uncertain significance (1 of 4 stars; one submission).

Conditions:
Hereditary cancer-predisposing syndrome. Also called: Neoplastic Syndromes, Hereditary; Tumor predisposition; Hereditary neoplastic syndrome; Hereditary Cancer Syndrome. Identifiers: Orphanet 140162, MedGen C0027672, MeSH D009386, MONDO:0015356.

Submission:

Ambry Genetics
Classification: Uncertain significance for Hereditary cancer-predisposing syndrome. Last evaluated: 2023-10-20. Review status: criteria provided, single submitter. Criteria: Ambry Variant Classification Scheme 2023. Collection method: clinical testing. Allele origin: germline.
Comment: The p.G31D variant (also known as c.92G>A), located in coding exon 1 of the GREM1 gene, results from a G to A substitution at nucleotide position 92. The glycine at codon 31 is replaced by aspartic acid, an amino acid with similar properties. This amino acid position is conserved. In addition, this alteration is predicted to be deleterious by in silico analysis. Since supporting evidence is limited at this time, the clinical significance of this alteration remains unclear.

NM_013372.7(GREM1):c.92G>A (p.Gly31Asp)

Gene: GREM1 (gremlin 1, DAN family BMP antagonist; plus strand). Cytogenetic location: 15q13.3.
Variant type: single nucleotide variant.
Coding change: c.92G>A on transcript NM_013372.7 (MANE Select); coding-DNA position 92, G replaced by A.
Protein change: p.Gly31Asp; replaces glycine 31 with aspartic acid.
Molecular consequence: missense variant. On other transcripts: intron variant (1).
Genome position (GRCh38, 1-based): chr15:32,730,782, G>A. VCF-style: chr15-32730782-G-A. GRCh37 (hg19) VCF-style: chr15-33022983-G-A.
Other names: c.92G>A, p.Gly31Asp (NM_001191323.2, NM_001368719.1); c.27+65G>A (NM_001191322.2); short protein forms G31D.
Identifiers: ClinVar variation 3226280 (VCV003226280.1), dbSNP rs2548707444, ClinGen allele CA391557169.
Genomic context (GRCh38, chr15:32,730,782, plus strand): 5'-TGCTTCTCCTCTTGGGGACCCTGCTGCCGGCTGCTGAAGGGAAAAAGAAAGGGTCCCAAG[G>A]TGCCATCCCCCCGCCAGACAAGGCCCAGCACAATGACTCAGAGCAGACTCAGTCGCCCCA-3'
Protein context (NP_037504.1, residues 21-41): AAEGKKKGSQ[Gly31Asp]AIPPPDKAQH